The following is an entry in ClinVar:

ClinVar aggregate classification (germline): Pathogenic (1 of 4 stars; one submission).

Conditions:
Bardet-Biedl syndrome (BBS). Identifiers: Orphanet 110, MedGen C0752166, MONDO:0015229.

Allele frequency attached by ClinVar (database versions not stated): gnomAD 0.00001.
gnomAD v4.1: 5 of 1,610,022 alleles (0.00031%); highest among the groups gnomAD compares: Middle Eastern, 0.016%; no homozygotes.

Submission:

Labcorp Genetics (formerly Invitae), Labcorp
Classification: Pathogenic for Bardet-Biedl syndrome. Last evaluated: 2023-09-21. Review status: criteria provided, single submitter. Criteria: Invitae Variant Classification Sherloc (09022015). Collection method: clinical testing. Allele origin: germline.
Comment: For these reasons, this variant has been classified as Pathogenic. Algorithms developed to predict the effect of sequence changes on RNA splicing suggest that this variant may disrupt the consensus splice site. ClinVar contains an entry for this variant (Variation ID: 2060354). This variant has not been reported in the literature in individuals affected with BBS4-related conditions. This variant is present in population databases (no rsID available, gnomAD 0.007%). This sequence change creates a premature translational stop signal (p.Gln214*) in the BBS4 gene. It is expected to result in an absent or disrupted protein product. Loss-of-function variants in BBS4 are known to be pathogenic (PMID: 11381270, 12016587, 20177705, 27894351).

Literature cited by the submitters: PubMed 11381270; PubMed 12016587; PubMed 20177705; PubMed 27894351.

NM_033028.5(BBS4):c.640C>T (p.Gln214Ter)

Gene: BBS4 (Bardet-Biedl syndrome 4; plus strand). Cytogenetic location: 15q24.1.
Variant type: single nucleotide variant.
Coding change: c.640C>T on transcript NM_033028.5 (MANE Select); coding-DNA position 640, C replaced by T.
Protein change: p.Gln214Ter; replaces glutamine 214 with a stop codon.
Molecular consequence: nonsense. On other transcripts: non-coding transcript variant (2).
Genome position (GRCh38, 1-based): chr15:72,727,992, C>T. VCF-style: chr15-72727992-C-T. GRCh37 (hg19) VCF-style: chr15-73020333-C-T.
Other names: c.124C>T, p.Gln42Ter (NM_001252678.2); c.640C>T, p.Gln214Ter (NM_001320665.2); short protein forms Q214*, Q42*.
Identifiers: ClinVar variation 2060354 (VCV002060354.4), dbSNP rs1375331013, ClinGen allele CA393077549.